The following is an entry in ClinVar:

ClinVar aggregate classification (germline): Likely benign (1 of 4 stars; one submission).

Conditions:
KIDINS220-related disorder. Also called: KIDINS220-related condition.

gnomAD v4.1: 2 of 1,612,966 alleles (0.00012%); highest among the groups gnomAD compares: African/African-American, 0.0013%; no homozygotes.

Submission:

PreventionGenetics, part of Exact Sciences
Classification: Likely benign for KIDINS220-related condition. Last evaluated: 2025-05-22. Review status: criteria provided, single submitter. Criteria: ACMG Guidelines, 2015. Collection method: clinical testing. Allele origin: germline.
Comment: This variant is classified as likely benign based on ACMG/AMP sequence variant interpretation guidelines (Richards et al. 2015 PMID: 25741868, with internal and published modifications).

NM_020738.4(KIDINS220):c.1776T>C (p.Ala592=)

Gene: KIDINS220 (kinase D interacting substrate 220; minus strand). Cytogenetic location: 2p25.1.
Variant type: single nucleotide variant.
Coding change: c.1776T>C on transcript NM_020738.4 (MANE Select); coding-DNA position 1776, T replaced by C.
Protein change: p.Ala592=; no amino-acid change (alanine 592 retained).
Molecular consequence: synonymous variant. On other transcripts: non-coding transcript variant (2).
Genome position (GRCh38, 1-based): chr2:8,788,658, A>G on the plus strand (T>C on the coding strand, the complement: KIDINS220 is on the minus strand). VCF-style: chr2-8788658-A-G. GRCh37 (hg19) VCF-style: chr2-8928788-A-G.
Other names: c.1779T>C, p.Ala593= (NM_001348729.2, NM_001348731.2, NM_001348734.2 and 3 more transcripts); c.1776T>C, p.Ala592= (NM_001348732.2, NM_001348735.2, NM_001348738.2 and 3 more transcripts); c.1650T>C, p.Ala550= (NM_001348736.2).
Identifiers: ClinVar variation 4994802 (VCV004994802.1).